The following is an entry in ClinVar:

ClinVar aggregate classification (germline): Uncertain significance (1 of 4 stars; one submission).

Conditions:
Hypertrophic cardiomyopathy. Also called: HYPERTROPHIC MYOCARDIOPATHY. Identifiers: Orphanet 217569, MedGen C0007194, MeSH D002312, MONDO:0005045, HP:0001639.

Allele frequency attached by ClinVar (database versions not stated): gnomAD 0.00001 and 0.00002; TOPMed 0.00002.
gnomAD v4.1: 19 of 1,535,646 alleles (0.0012%); highest among the groups gnomAD compares: Non-Finnish European, 0.0016%; no homozygotes.

Submission:

Labcorp Genetics (formerly Invitae), Labcorp
Classification: Uncertain significance for Hypertrophic cardiomyopathy. Last evaluated: 2017-08-28. Review status: criteria provided, single submitter. Criteria: Invitae Variant Classification Sherloc (09022015). Collection method: clinical testing. Allele origin: germline.
Comment: This sequence change replaces proline with threonine at codon 535 of the JPH2 protein (p.Pro535Thr). The proline residue is moderately conserved and there is a small physicochemical difference between proline and threonine. While this variant is not present in population databases, the frequency information is unreliable, as metrics indicate poor data quality at this position in the ExAC database. This variant has not been reported in the literature in individuals with JPH2-related disease. Algorithms developed to predict the effect of missense changes on protein structure and function (SIFT, PolyPhen-2, Align-GVGD) all suggest that this variant is likely to be tolerated, but these predictions have not been confirmed by published functional studies and their clinical significance is uncertain. In summary, the available evidence is currently insufficient to determine the role of this variant in disease. Therefore, it has been classified as a Variant of Uncertain Significance.

NM_020433.5(JPH2):c.1603C>A (p.Pro535Thr)

Gene: JPH2 (junctophilin 2; minus strand). Cytogenetic location: 20q13.12.
Variant type: single nucleotide variant.
Coding change: c.1603C>A on transcript NM_020433.5 (MANE Select); coding-DNA position 1603, C replaced by A.
Protein change: p.Pro535Thr; replaces proline 535 with threonine.
Molecular consequence: missense variant.
Genome position (GRCh38, 1-based): chr20:44,116,072, G>T on the plus strand (C>A on the coding strand, the complement: JPH2 is on the minus strand). VCF-style: chr20-44116072-G-T. GRCh37 (hg19) VCF-style: chr20-42744712-G-T.
Other names: short protein forms P535T.
Identifiers: ClinVar variation 524940 (VCV000524940.8), dbSNP rs908217758, ClinGen allele CA314642603.